The following is an entry in ClinVar:

ClinVar aggregate classification (germline): Uncertain significance (1 of 4 stars; one submission).

gnomAD v4.1: 39 of 1,578,514 alleles (0.0025%); highest among the groups gnomAD compares: Middle Eastern, 0.05%; no homozygotes.

Submission:

Labcorp Genetics (formerly Invitae), Labcorp
Classification: Uncertain significance. Last evaluated: 2026-01-06. Review status: criteria provided, single submitter. Criteria: Invitae Variant Classification Sherloc (09022015). Collection method: clinical testing. Allele origin: germline.
Comment: This sequence change replaces alanine, which is neutral and non-polar, with threonine, which is neutral and polar, at codon 137 of the PPM1F protein (p.Ala137Thr). The frequency data for this variant in the population databases is considered unreliable, as metrics indicate poor data quality at this position in the gnomAD database. This variant has not been reported in the literature in individuals affected with PPM1F-related conditions. An algorithm developed to predict the effect of missense changes on protein structure and function (PolyPhen-2) suggests that this variant is likely to be tolerated. In summary, the available evidence is currently insufficient to determine the role of this variant in disease. Therefore, it has been classified as a Variant of Uncertain Significance.

NM_014634.4(PPM1F):c.409G>A (p.Ala137Thr)

Gene: PPM1F (protein phosphatase, Mg2+/Mn2+ dependent 1F; minus strand). Cytogenetic location: 22q11.22.
Variant type: single nucleotide variant.
Coding change: c.409G>A on transcript NM_014634.4 (MANE Select); coding-DNA position 409, G replaced by A.
Protein change: p.Ala137Thr; replaces alanine 137 with threonine.
Molecular consequence: missense variant. On other transcripts: 5 prime UTR variant (1).
Genome position (GRCh38, 1-based): chr22:21,934,173, C>T on the plus strand (G>A on the coding strand, the complement: PPM1F is on the minus strand). VCF-style: chr22-21934173-C-T. GRCh37 (hg19) VCF-style: chr22-22288545-C-T.
Other names: c.-96G>A (NM_001410836.1); short protein forms A137T.
Identifiers: ClinVar variation 4754732 (VCV004754732.1).